The following is an entry in ClinVar:

NM_001009944.3(PKD1):c.252dup (p.Gly85fs)

Gene: PKD1 (polycystin 1, transient receptor potential channel interacting; minus strand). Cytogenetic location: 16p13.3.
Variant type: Duplication.
Coding change: c.252dup on transcript NM_001009944.3 (MANE Select); coding-DNA position 252, one base duplicated (T; older notation c.252dupT).
Protein change: p.Gly85fs; shifts the reading frame from glycine 85.
Molecular consequence: frameshift variant.
Genome position (GRCh38, 1-based): chr16:2,119,342, A duplicated on the plus strand (T on the coding strand, the reverse complement: PKD1 is on the minus strand); the first of 2 consecutive A bases (chr16:2,119,342-2,119,343); duplicating either gives the same sequence. VCF-style (leftmost placement, unchanged base first): chr16-2119341-C-CA. GRCh37 (hg19) VCF-style: chr16-2169342-C-CA.
Other names: c.252dupT (NM_001009944.3); c.252dup, p.Gly85fs (NM_000296.4); short protein forms G85fs.
Identifiers: ClinVar variation 3902609 (VCV003902609.1).

ClinVar aggregate classification (germline): Pathogenic (1 of 4 stars; one submission).

Conditions:
Polycystic kidney disease, adult type (PKD1). Also called: Polycystic Kidney Disease 1, Autosomal Dominant; Polycystic kidney disease 1; Polycystic kidney disease 1, severe; Polycystic Kidney, Autosomal Dominant; POLYCYSTIC KIDNEY DISEASE 1 WITH OR WITHOUT POLYCYSTIC LIVER DISEASE; POLYCYSTIC KIDNEY DISEASE, ADULT, TYPE I. Identifiers: MedGen C3149841, MONDO:0008263, OMIM 173900.

Submission:

Women's Health and Genetics/Laboratory Corporation of America, LabCorp
Classification: Pathogenic for Polycystic kidney disease, adult type. Last evaluated: 2025-05-01. Review status: criteria provided, single submitter. Criteria: LabCorp Variant Classification Summary - May 2015. Collection method: clinical testing. Allele origin: germline.
Comment: Variant summary: PKD1 c.252dupT (p.Gly85TrpfsX29) results in a premature termination codon, predicted to cause a truncation of the encoded protein or absence of the protein due to nonsense mediated decay, which are commonly known mechanisms for disease. The variant was absent in 136078 control chromosomes. To our knowledge, no occurrence of c.252dupT in individuals affected with Polycystic Kidney Disease 1 and no experimental evidence demonstrating its impact on protein function have been reported. No submitters have cited clinical-significance assessments for this variant to ClinVar. Based on the evidence outlined above, the variant was classified as pathogenic.